The following is an entry in ClinVar:

ClinVar aggregate classification (germline): Uncertain significance (1 of 4 stars; one submission).

Conditions:
Hereditary cancer-predisposing syndrome. Also called: Neoplastic Syndromes, Hereditary; Tumor predisposition; Hereditary Cancer Syndrome; Hereditary neoplastic syndrome. Identifiers: Orphanet 140162, MedGen C0027672, MeSH D009386, MONDO:0015356.

Submission:

Ambry Genetics
Classification: Uncertain significance for Hereditary cancer-predisposing syndrome. Last evaluated: 2026-02-11. Review status: criteria provided, single submitter. Criteria: Ambry Variant Classification Scheme 2023. Collection method: clinical testing. Allele origin: germline.
Comment: The p.D835H variant (also known as c.2503G>C), located in coding exon 19 of the POLD1 gene, results from a G to C substitution at nucleotide position 2503. The aspartic acid at codon 835 is replaced by histidine, an amino acid with similar properties. This amino acid position is highly conserved in available vertebrate species. In addition, this alteration is predicted to be deleterious by in silico analysis. Based on the available evidence, the clinical significance of this variant remains unclear.

NM_002691.4(POLD1):c.2503G>C (p.Asp835His)

Gene: POLD1 (DNA polymerase delta 1, catalytic subunit; plus strand). Cytogenetic location: 19q13.33.
Variant type: single nucleotide variant.
Coding change: c.2503G>C on transcript NM_002691.4 (MANE Select); coding-DNA position 2503, G replaced by C.
Protein change: p.Asp835His; replaces aspartic acid 835 with histidine.
Molecular consequence: missense variant. On other transcripts: non-coding transcript variant (1).
Genome position (GRCh38, 1-based): chr19:50,414,929, G>C. VCF-style: chr19-50414929-G-C. GRCh37 (hg19) VCF-style: chr19-50918186-G-C.
Other names: c.2503G>C, p.Asp835His (NM_001256849.1, NM_001438212.1, NM_001438213.1); c.2581G>C, p.Asp861His (NM_001308632.1); c.2431G>C, p.Asp811His (NM_001438210.1, NM_001438211.1); short protein forms D861H, D811H, D835H.
Identifiers: ClinVar variation 4844392 (VCV004844392.1).